The following is an entry in ClinVar:

NM_021870.3(FGG):c.1055G>C (p.Cys352Ser)

Gene: FGG (fibrinogen gamma chain; minus strand). Cytogenetic location: 4q32.1.
Variant type: single nucleotide variant.
Coding change: c.1055G>C on transcript NM_021870.3 (MANE Select); coding-DNA position 1055, G replaced by C.
Protein change: p.Cys352Ser; replaces cysteine 352 with serine.
Molecular consequence: missense variant.
Genome position (GRCh38, 1-based): chr4:154,606,779, C>G on the plus strand (G>C on the coding strand, the complement: FGG is on the minus strand). VCF-style: chr4-154606779-C-G. GRCh37 (hg19) VCF-style: chr4-155527931-C-G.
Other names: c.1055G>C, p.Cys352Ser (NM_000509.6); short protein forms C352S.
Identifiers: ClinVar variation 4847282 (VCV004847282.1).

ClinVar aggregate classification (germline): Likely pathogenic (1 of 4 stars; one submission).

Conditions:
Familial dysfibrinogenemia. Also called: Dysfibrinogenemia, congenital. Identifiers: Orphanet 335, Orphanet 98881, MedGen C0272350, MONDO:0014452, OMIM 616004.

Submission:

Women's Health and Genetics/Laboratory Corporation of America, LabCorp
Classification: Likely pathogenic for Familial dysfibrinogenemia. Last evaluated: 2026-03-12. Review status: criteria provided, single submitter. Criteria: LabCorp Variant Classification Summary - May 2015. Collection method: clinical testing. Allele origin: germline.
Comment: Variant summary: FGG c.1055G>C (p.Cys352Ser) results in a non-conservative amino acid change in the encoded protein sequence. Algorithms developed to predict the effect of missense changes on protein structure and function all suggest that this variant is likely to be disruptive. The variant was absent in 251380 control chromosomes (gnomAD). c.1055G>C has been observed in individuals affected with Congenital Dysfibrinogenemia/Hypodysfibrinogenemia (e.g. Ushijima_2017, Smith_2018). These data indicate that the variant may be associated with disease. At least one publication reports experimental evidence evaluating an impact on protein function of a mutation resulting in the same amino acid change. The most pronounced variant effect results in <10% of normal secreted protein (Haneishi_2009). The following publications have been ascertained in the context of this evaluation (PMID: 28419986, 30349899, 19419756). No submitters have cited clinical-significance assessments for this variant to ClinVar. Based on the evidence outlined above, the variant was classified as likely pathogenic.

Literature cited by the submitters: PubMed 30349899; PubMed 19419756; PubMed 28419986.